The following is an entry in ClinVar:

NM_001378120.1(MBD5):c.4246G>A (p.Glu1416Lys)

Gene: MBD5 (methyl-CpG binding domain protein 5; plus strand). Cytogenetic location: 2q23.1.
Variant type: single nucleotide variant.
Coding change: c.4246G>A on transcript NM_001378120.1 (MANE Select); coding-DNA position 4246, G replaced by A.
Protein change: p.Glu1416Lys; replaces glutamic acid 1416 with lysine.
Molecular consequence: missense variant.
Genome position (GRCh38, 1-based): chr2:148,489,878, G>A. VCF-style: chr2-148489878-G-A. GRCh37 (hg19) VCF-style: chr2-149247447-G-A.
Other names: c.3547G>A, p.Glu1183Lys (NM_018328.5); short protein forms E1183K, E1416K.
Identifiers: ClinVar variation 1216511 (VCV001216511.4), dbSNP rs1681465796, ClinGen allele CA348728328.

ClinVar aggregate classification (germline): Uncertain significance. Review status: criteria provided, multiple submitters, no conflicts (2 of 4 stars). 2 submissions from 2 submitters: Uncertain significance (2). Last evaluated 2025-08-23.

Conditions:
Inborn genetic diseases. Identifiers: MedGen C0950123, MeSH D030342.

Allele frequency attached by ClinVar (database versions not stated): gnomAD exomes below 0.00001.
gnomAD v4.1: 1 of 1,614,150 alleles (0.000062%); highest among the groups gnomAD compares: South Asian, 0.0011%; no homozygotes.

Submissions (2):

Ambry Genetics
Classification: Uncertain significance for Inborn genetic diseases. Last evaluated: 2025-08-23. Review status: criteria provided, single submitter. Criteria: Ambry Variant Classification Scheme 2023. Collection method: clinical testing. Allele origin: germline.

GeneDx
Classification: Uncertain significance. Last evaluated: 2019-04-11. Review status: criteria provided, single submitter. Criteria: GeneDx Variant Classification Process June 2021. Collection method: clinical testing. Allele origin: germline. Affected: yes.
Comment: Not observed in large population cohorts (Lek et al., 2016); In silico analysis, which includes protein predictors and evolutionary conservation, supports that this variant does not alter protein structure/function; Has not been previously published as pathogenic or benign to our knowledge